The following is an entry in ClinVar:

ClinVar aggregate classification (germline): Uncertain significance (1 of 4 stars; one submission).

Allele frequency attached by ClinVar (database versions not stated): ExAC 0.00009; gnomAD exomes 0.00009; gnomAD 0.00010 and 0.00011; TOPMed 0.00014; ESP Exome Variant Server 0.00069.
gnomAD v4.1: 414 of 1,504,314 alleles (0.028%); highest among the groups gnomAD compares: Non-Finnish European, 0.034%; no homozygotes.

Submissions (2):

Labcorp Genetics (formerly Invitae), Labcorp
Classification: Uncertain significance. Last evaluated: 2021-08-19. Review status: criteria provided, single submitter. Criteria: Invitae Variant Classification Sherloc (09022015). Collection method: clinical testing. Allele origin: germline.
Comment: In summary, the available evidence is currently insufficient to determine the role of this variant in disease. Therefore, it has been classified as a Variant of Uncertain Significance. Algorithms developed to predict the effect of sequence changes on RNA splicing suggest that this variant may disrupt the consensus splice site. This variant has not been reported in the literature in individuals affected with CCDC141-related conditions. This variant is present in population databases (rs375598558, ExAC 0.02%). This sequence change falls in intron 17 of the CCDC141 gene. It does not directly change the encoded amino acid sequence of the CCDC141 protein, but it affects a nucleotide within the consensus splice site of the intron.

Dr. Peter K. Rogan Lab, Western University
No classification provided (evidence only). Condition: Clear cell carcinoma of kidney. Review status: no classification provided. Collection method: in vitro. Allele origin: not applicable. Functional consequence: retained intron. Not counted in ClinVar's aggregate classification.

NM_173648.4(CCDC141):c.2724+5G>A

Gene: CCDC141 (coiled-coil domain containing 141; minus strand). Cytogenetic location: 2q31.2.
Variant type: single nucleotide variant.
Coding change: c.2724+5G>A on transcript NM_173648.4 (MANE Select); 5 bases into the intron after coding-DNA position 2724, G replaced by A.
Molecular consequence: intron variant.
Genome position (GRCh38, 1-based): chr2:178,865,762, C>T on the plus strand (G>A on the coding strand, the complement: CCDC141 is on the minus strand). VCF-style: chr2-178865762-C-T. GRCh37 (hg19) VCF-style: chr2-179730489-C-T.
Identifiers: ClinVar variation 1518549 (VCV001518549.9), dbSNP rs375598558, ClinGen allele CA2006918.